The following is an entry in ClinVar:

NM_006389.5(HYOU1):c.1807-6T>A

Gene: HYOU1 (hypoxia up-regulated 1; minus strand). Cytogenetic location: 11q23.3.
Variant type: single nucleotide variant.
Coding change: c.1807-6T>A on transcript NM_006389.5 (MANE Select); 6 bases into the intron before coding-DNA position 1807, T replaced by A.
Molecular consequence: intron variant.
Genome position (GRCh38, 1-based): chr11:119,049,209, A>T on the plus strand (T>A on the coding strand, the complement: HYOU1 is on the minus strand). VCF-style: chr11-119049209-A-T. GRCh37 (hg19) VCF-style: chr11-118919921-A-T.
Other names: c.1807-6T>A (NM_001130991.3, NM_001411041.1).
Identifiers: ClinVar variation 3670325 (VCV003670325.2).

ClinVar aggregate classification (germline): Uncertain significance (1 of 4 stars; one submission).

Submission:

Labcorp Genetics (formerly Invitae), Labcorp
Classification: Uncertain significance. Last evaluated: 2024-11-25. Review status: criteria provided, single submitter. Criteria: Invitae Variant Classification Sherloc (09022015). Collection method: clinical testing. Allele origin: germline.
Comment: This sequence change falls in intron 16 of the HYOU1 gene. It does not directly change the encoded amino acid sequence of the HYOU1 protein. This variant is present in population databases (rs782561593, gnomAD 0.006%). This variant has not been reported in the literature in individuals affected with HYOU1-related conditions. Algorithms developed to predict the effect of sequence changes on RNA splicing suggest that this variant may disrupt the consensus splice site. In summary, the available evidence is currently insufficient to determine the role of this variant in disease. Therefore, it has been classified as a Variant of Uncertain Significance.